The following is an entry in ClinVar:

NM_001065.4(TNFRSF1A):c.551+1066_551+1068dup

Gene: TNFRSF1A (TNF receptor superfamily member 1A; minus strand). Cytogenetic location: 12p13.31.
Variant type: Duplication.
Coding change: c.551+1066_551+1068dup on transcript NM_001065.4 (MANE Select); bases 1066 to 1068 of the intron after coding-DNA position 551, 3 bases duplicated (TTT; older notation c.551+1066_551+1068dupTTT).
Molecular consequence: intron variant.
Genome position (GRCh38, 1-based): chr12:6,332,001-6,332,003, AAA duplicated on the plus strand (TTT on the coding strand, the reverse complement: TNFRSF1A is on the minus strand); duplicating any 3 consecutive bases within chr12:6,332,001-6,332,024 gives the same sequence; the c. name uses the placement nearest the transcript's 3' end. VCF-style (leftmost placement, unchanged base first): chr12-6332000-C-CAAA. GRCh37 (hg19) VCF-style: chr12-6441166-C-CAAA.
Other names: c.227+1066_227+1068dup (NM_001346091.2); c.-26-10_-26-8dup (NM_001346092.2).
Identifiers: ClinVar variation 3341686 (VCV003341686.16).

ClinVar aggregate classification (germline): Benign (1 of 4 stars; one submission).

Submission:

CeGaT Center for Human Genetics Tuebingen
Classification: Benign. Last evaluated: 2024-08-01. Review status: criteria provided, single submitter. Criteria: CeGaT Center For Human Genetics Tuebingen Variant Classification Criteria Version 2. Collection method: clinical testing. Allele origin: germline. Affected: yes. Observed: 2 variant alleles.
Comment: TNFRSF1A: BS1, BS2